The following is an entry in ClinVar:

ClinVar aggregate classification (germline): Uncertain significance (1 of 4 stars; one submission).

Submission:

GeneDx
Classification: Uncertain significance. Last evaluated: 2026-03-03. Review status: criteria provided, single submitter. Criteria: GeneDx Variant Classification Process June 2021. Collection method: clinical testing. Allele origin: germline.
Comment: Not observed at significant frequency in large population cohorts (gnomAD); In silico analysis supports that this missense variant has a deleterious effect on protein structure/function; Has not been previously published as pathogenic or benign to our knowledge

NM_018896.5(CACNA1G):c.1503T>A (p.His501Gln)

Gene: CACNA1G (calcium voltage-gated channel subunit alpha1 G; plus strand). Cytogenetic location: 17q21.33.
Variant type: single nucleotide variant.
Coding change: c.1503T>A on transcript NM_018896.5 (MANE Select); coding-DNA position 1503, T replaced by A.
Protein change: p.His501Gln; replaces histidine 501 with glutamine.
Molecular consequence: missense variant. On other transcripts: non-coding transcript variant (5).
Genome position (GRCh38, 1-based): chr17:50,575,905, T>A. VCF-style: chr17-50575905-T-A. GRCh37 (hg19) VCF-style: chr17-48653266-T-A.
Other names: c.1503T>A, p.His501Gln (NM_001256324.2, NM_001256325.2, NM_001256326.2 and 24 more transcripts); short protein forms H501Q.
Identifiers: ClinVar variation 5008257 (VCV005008257.1).